The following is an entry in ClinVar:

NM_002471.4(MYH6):c.329C>T (p.Ala110Val)

Genes: MYH6 (myosin heavy chain 6; minus strand), LOC114827851 (VISTA enhancer hs2155; plus strand). Cytogenetic location: 14q11.2.
Variant type: single nucleotide variant.
Coding change: c.329C>T on transcript NM_002471.4 (MANE Select); coding-DNA position 329, C replaced by T.
Protein change: p.Ala110Val; replaces alanine 110 with valine.
Molecular consequence: missense variant.
Genome position (GRCh38, 1-based): chr14:23,405,643, G>A on the plus strand (C>T on the coding strand, the complement: MYH6 is on the minus strand). VCF-style: chr14-23405643-G-A. GRCh37 (hg19) VCF-style: chr14-23874852-G-A.
Other names: short protein forms A110V.
Identifiers: ClinVar variation 844900 (VCV000844900.17), dbSNP rs149454728, ClinGen allele CA7116207.

ClinVar aggregate classification (germline): Uncertain significance. Review status: criteria provided, multiple submitters, no conflicts (2 of 4 stars). 4 submissions from 4 submitters: Uncertain significance (4). Last evaluated 2025-03-31.

Conditions:
Hypertrophic cardiomyopathy 14. Identifiers: MedGen C2750467, MONDO:0013197, OMIM 613251.
Cardiovascular phenotype. Identifiers: MedGen CN230736.

Allele frequency attached by ClinVar (database versions not stated): gnomAD exomes 0.00001; ExAC 0.00002; gnomAD 0.00003; TOPMed 0.00004; ESP Exome Variant Server 0.00008; 1000 Genomes Project 30x 0.00016; 1000 Genomes Project 0.00020.
gnomAD v4.1: 25 of 1,614,186 alleles (0.0015%); highest among the groups gnomAD compares: African/African-American, 0.0053%; no homozygotes.

Submissions (4):

Ambry Genetics
Classification: Uncertain significance for Cardiovascular phenotype. Last evaluated: 2025-03-31. Review status: criteria provided, single submitter. Criteria: Ambry Variant Classification Scheme 2023. Collection method: clinical testing. Allele origin: germline.
Comment: The p.A110V variant (also known as c.329C>T), located in coding exon 2 of the MYH6 gene, results from a C to T substitution at nucleotide position 329. The alanine at codon 110 is replaced by valine, an amino acid with similar properties. This amino acid position is highly conserved in available vertebrate species. In addition, the in silico prediction for this alteration is inconclusive. Since supporting evidence is limited at this time, the clinical significance of this alteration remains unclear.

GeneDx
Classification: Uncertain significance. Last evaluated: 2022-11-18. Review status: criteria provided, single submitter. Criteria: GeneDx Variant Classification Process June 2021. Collection method: clinical testing. Allele origin: germline. Affected: yes.
Comment: Has not been previously published as pathogenic or benign to our knowledge; Not observed at significant frequency in large population cohorts (gnomAD); In silico analysis supports that this missense variant has a deleterious effect on protein structure/function

Labcorp Genetics (formerly Invitae), Labcorp
Classification: Uncertain significance for Hypertrophic cardiomyopathy 14. Last evaluated: 2022-08-09. Review status: criteria provided, single submitter. Criteria: Invitae Variant Classification Sherloc (09022015). Collection method: clinical testing. Allele origin: germline.
Comment: This variant has not been reported in the literature in individuals affected with MYH6-related conditions. In summary, the available evidence is currently insufficient to determine the role of this variant in disease. Therefore, it has been classified as a Variant of Uncertain Significance. Algorithms developed to predict the effect of missense changes on protein structure and function (SIFT, PolyPhen-2, Align-GVGD) all suggest that this variant is likely to be tolerated. ClinVar contains an entry for this variant (Variation ID: 844900). This variant is present in population databases (rs149454728, gnomAD 0.007%). This sequence change replaces alanine, which is neutral and non-polar, with valine, which is neutral and non-polar, at codon 110 of the MYH6 protein (p.Ala110Val).

Revvity Omics, Revvity
Classification: Uncertain significance. Last evaluated: 2020-10-08. Review status: criteria provided, single submitter. Criteria: ACMG Guidelines, 2015. Collection method: clinical testing. Allele origin: germline.